The following is an entry in ClinVar:

NM_032444.4(SLX4):c.4333C>T (p.Arg1445Trp)

Gene: SLX4 (SLX4 structure-specific endonuclease subunit; minus strand). Cytogenetic location: 16p13.3.
Variant type: single nucleotide variant.
Coding change: c.4333C>T on transcript NM_032444.4 (MANE Select); coding-DNA position 4333, C replaced by T.
Protein change: p.Arg1445Trp; replaces arginine 1445 with tryptophan.
Molecular consequence: missense variant.
Genome position (GRCh38, 1-based): chr16:3,589,305, G>A on the plus strand (C>T on the coding strand, the complement: SLX4 is on the minus strand). VCF-style: chr16-3589305-G-A. GRCh37 (hg19) VCF-style: chr16-3639306-G-A.
Other names: c.4333C>T (LRG_503t1); short protein forms R1445W.
Identifiers: ClinVar variation 407904 (VCV000407904.7), dbSNP rs777967898, ClinGen allele CA7865685.
Genomic context (GRCh38, chr16:3,589,305, plus strand): 5'-GGCTGTCGGCGGCCTCGTTCATCCTGCGGCTGGGGCTGCTGGTGCTCAGGGGGCCGGTCC[G>A]CTCCAGGTTCCAGTGGTCAATGGGAATTGGCGAGAGGGGCTCCATGTGCCAGCAGCAGTC-3'
Protein context (NP_115820.2, residues 1435-1455): PIPIDHWNLE[Arg1445Trp]TGPLSTSSPS

ClinVar aggregate classification (germline): Uncertain significance. Review status: criteria provided, multiple submitters, no conflicts (2 of 4 stars). 3 submissions from 3 submitters: Uncertain significance (3). Last evaluated 2024-03-11.

Conditions:
Fanconi anemia (FA). Also called: Fanconi's anemia. Identifiers: Orphanet 84, MedGen C0015625, MeSH D005199, MONDO:0019391.
Fanconi anemia complementation group P. Also called: SLX4-Related Fanconi Anemia. Identifiers: Orphanet 84, MedGen C3469542, MONDO:0013499, OMIM 613951.

Allele frequency attached by ClinVar (database versions not stated): gnomAD 0.00009 and 0.00010; TOPMed 0.00010.
gnomAD v4.1: 93 of 1,582,150 alleles (0.0059%); highest among the groups gnomAD compares: Admixed American, 0.033%; no homozygotes.

Submissions (3):

Fulgent Genetics
Classification: Uncertain significance for Fanconi anemia complementation group P. Last evaluated: 2024-03-11. Review status: criteria provided, single submitter. Criteria: ACMG Guidelines, 2015. Collection method: clinical testing. Allele origin: germline.

Labcorp Genetics (formerly Invitae), Labcorp
Classification: Uncertain significance for Fanconi anemia. Last evaluated: 2022-07-12. Review status: criteria provided, single submitter. Criteria: Invitae Variant Classification Sherloc (09022015). Collection method: clinical testing. Allele origin: germline.
Comment: This sequence change replaces arginine, which is basic and polar, with tryptophan, which is neutral and slightly polar, at codon 1445 of the SLX4 protein (p.Arg1445Trp). This variant is present in population databases (rs777967898, gnomAD 0.03%). This missense change has been observed in individual(s) with breast and/or ovarian cancer (PMID: 23211700). ClinVar contains an entry for this variant (Variation ID: 407904). Algorithms developed to predict the effect of missense changes on protein structure and function output the following: SIFT: "Tolerated"; PolyPhen-2: "Benign"; Align-GVGD: "Class C0". The tryptophan amino acid residue is found in multiple mammalian species, which suggests that this missense change does not adversely affect protein function. In summary, the available evidence is currently insufficient to determine the role of this variant in disease. Therefore, it has been classified as a Variant of Uncertain Significance.

Breakthrough Genomics
Classification: Uncertain significance. Review status: criteria provided, single submitter. Criteria: ACMG Guidelines, 2015. Collection method: not provided. Allele origin: germline. Inheritance: Autosomal recessive inheritance. Affected: yes.

Literature cited by the submitters: PubMed 23211700 (cited by Labcorp Genetics (formerly Invitae), Labcorp).